The following is an entry in ClinVar:

ClinVar aggregate classification (germline): Likely pathogenic (1 of 4 stars; one submission).

Conditions:
Hereditary cancer-predisposing syndrome. Also called: Tumor predisposition; Hereditary Cancer Syndrome; Hereditary neoplastic syndrome; Neoplastic Syndromes, Hereditary. Identifiers: Orphanet 140162, MedGen C0027672, MeSH D009386, MONDO:0015356.

Submission:

Ambry Genetics
Classification: Likely pathogenic for Hereditary cancer-predisposing syndrome. Last evaluated: 2024-05-18. Review status: criteria provided, single submitter. Criteria: Ambry Variant Classification Scheme 2023. Collection method: clinical testing. Allele origin: germline.
Comment: The c.2478_2500del23 variant, located in coding exon 15 of the APC gene, results from a deletion of 23 nucleotides at nucleotide positions 2478 to 2500, causing a translational frameshift with a predicted alternate stop codon (p.L826Ffs*10). This alteration occurs at the 3' terminus of theAPC gene, is not expected to trigger nonsense-mediated mRNA decay, and impacts the last 2018 amino acids of the protein. However, premature stop codons are typically deleterious in nature and a significant portion of the protein is affected (Ambry internal data). This variant is considered to be rare based on population cohorts in the Genome Aggregation Database (gnomAD). Based on the majority of available evidence to date, this variant is likely to be pathogenic.

NM_000038.6(APC):c.2478_2500del (p.Leu826fs)

Gene: APC (APC regulator of Wnt signaling pathway; plus strand). Cytogenetic location: 5q22.2.
Variant type: Deletion.
Coding change: c.2478_2500del on transcript NM_000038.6 (MANE Select); coding-DNA positions 2478 to 2500, 23 bases deleted (GAATACTACAGTGTTACCCAGCT).
Protein change: p.Leu826fs; shifts the reading frame from leucine 826.
Molecular consequence: frameshift variant. On other transcripts: non-coding transcript variant (2).
Genome position (GRCh38, 1-based): chr5:112,838,072-112,838,094, GAATACTACAGTGTTACCCAGCT deleted; deleting any 23 consecutive bases within chr5:112,838,071-112,838,094 gives the same sequence; the c. name uses the placement nearest the transcript's 3' end. VCF-style (leftmost placement, unchanged base first): chr5-112838070-TTGAATACTACAGTGTTACCCAGC-T. GRCh37 (hg19) VCF-style: chr5-112173767-TTGAATACTACAGTGTTACCCAGC-T.
Other names: c.2478_2500del, p.Leu826fs (NM_001127510.3, NM_001354895.2, NM_001407450.1); c.2424_2446del, p.Leu808fs (NM_001127511.3); c.2532_2554del, p.Leu844fs (NM_001354896.2, NM_001407447.1, NM_001407448.1 and 1 more transcripts); c.2508_2530del, p.Leu836fs (NM_001354897.2); c.2403_2425del, p.Leu801fs (NM_001354898.2); c.2394_2416del, p.Leu798fs (NM_001354899.2); c.2355_2377del, p.Leu785fs (NM_001354900.2); c.2301_2323del, p.Leu767fs (NM_001354901.2, NM_001407453.1); and 11 more; short protein forms L442fs, L700fs, L735fs, L767fs, L836fs, L844fs, L666fs, L801fs.
Identifiers: ClinVar variation 3305129 (VCV003305129.1).